The following is an entry in ClinVar:

NM_000016.6(ACADM):c.576A>G (p.Ile192Met)

Gene: ACADM (acyl-CoA dehydrogenase medium chain; plus strand). Cytogenetic location: 1p31.1.
Variant type: single nucleotide variant.
Coding change: c.576A>G on transcript NM_000016.6 (MANE Select); coding-DNA position 576, A replaced by G.
Protein change: p.Ile192Met; replaces isoleucine 192 with methionine.
Molecular consequence: missense variant.
Genome position (GRCh38, 1-based): chr1:75,740,087, A>G. VCF-style: chr1-75740087-A-G. GRCh37 (hg19) VCF-style: chr1-76205772-A-G.
Other names: c.588A>G, p.Ile196Met (NM_001127328.3); c.468A>G, p.Ile156Met (NM_001286042.2); c.675A>G, p.Ile225Met (NM_001286043.2); c.9A>G, p.Ile3Met (NM_001286044.2); short protein forms I3M, I192M, I225M, I156M, I196M.
Identifiers: ClinVar variation 937271 (VCV000937271.12), dbSNP rs1647482271, ClinGen allele CA340815402.

ClinVar aggregate classification (germline): Uncertain significance. Review status: criteria provided, single submitter (1 of 4 stars). 2 submissions from 2 submitters: Uncertain significance (1). 1 of the submissions does not count toward it. Last evaluated 2019-09-23.

Conditions:
Medium-chain acyl-coenzyme A dehydrogenase deficiency (ACADMD). Also called: MCAD Deficiency; ACADM DEFICIENCY; CARNITINE DEFICIENCY SECONDARY TO MEDIUM-CHAIN ACYL-CoA DEHYDROGENASE DEFICIENCY; Medium chain acyl-CoA dehydrogenase deficiency; MCADD; MCADH DEFICIENCY. Identifiers: Orphanet 42, MedGen C0220710, MONDO:0008721, OMIM 201450.

Submissions (2):

Labcorp Genetics (formerly Invitae), Labcorp
Classification: Uncertain significance for Medium-chain acyl-coenzyme A dehydrogenase deficiency. Last evaluated: 2019-09-23. Review status: criteria provided, single submitter. Criteria: Invitae Variant Classification Sherloc (09022015). Collection method: clinical testing. Allele origin: germline.
Comment: In summary, the available evidence is currently insufficient to determine the role of this variant in disease. Therefore, it has been classified as a Variant of Uncertain Significance. Algorithms developed to predict the effect of missense changes on protein structure and function are either unavailable or do not agree on the potential impact of this missense change (SIFT: "Deleterious"; PolyPhen-2: "Probably Damaging"; Align-GVGD: "Class C0"). This variant has not been reported in the literature in individuals with ACADM-related conditions. This variant is not present in population databases (ExAC no frequency). This sequence change replaces isoleucine with methionine at codon 192 of the ACADM protein (p.Ile192Met). The isoleucine residue is highly conserved and there is a small physicochemical difference between isoleucine and methionine.

Natera, Inc.
Classification: Uncertain significance for Medium Chain Acyl-CoA Dehydrogenase Deficiency. Last evaluated: 2021-03-23. Review status: no assertion criteria provided. Collection method: clinical testing. Allele origin: germline. Not counted in ClinVar's aggregate classification.